The following is an entry in ClinVar:

NM_000342.4(SLC4A1):c.1501G>A (p.Val501Met)

Gene: SLC4A1 (solute carrier family 4 member 1 (Diego blood group); minus strand). Cytogenetic location: 17q21.31.
Variant type: single nucleotide variant.
Coding change: c.1501G>A on transcript NM_000342.4 (MANE Select); coding-DNA position 1501, G replaced by A.
Protein change: p.Val501Met; replaces valine 501 with methionine.
Molecular consequence: missense variant.
Genome position (GRCh38, 1-based): chr17:44,257,475, C>T on the plus strand (G>A on the coding strand, the complement: SLC4A1 is on the minus strand). VCF-style: chr17-44257475-C-T. GRCh37 (hg19) VCF-style: chr17-42334843-C-T.
Other names: p.Val501Met; short protein forms V501M.
Identifiers: ClinVar variation 1909803 (VCV001909803.8), dbSNP rs146305310, ClinGen allele CA8600251.

ClinVar aggregate classification (germline): Uncertain significance. Review status: criteria provided, multiple submitters, no conflicts (2 of 4 stars). 4 submissions from 4 submitters: Uncertain significance (4). Last evaluated 2025-07-24.

Conditions:
BLOOD GROUP--SWANN SYSTEM (SW). Also called: SWANN BLOOD GROUP. Identifiers: MedGen C1832169, OMIM 601550.
BLOOD GROUP, WALDNER (WD). Also called: WALDNER BLOOD GROUP ANTIGEN. Identifiers: MedGen C1862191, OMIM 112010.
BLOOD GROUP--FROESE (FR). Also called: FROESE BLOOD GROUP ANTIGEN. Identifiers: MedGen C1832168, OMIM 601551.
BLOOD GROUP--WRIGHT ANTIGEN (WR). Identifiers: MedGen C1862190, OMIM 112050.
Hereditary spherocytosis type 4. Also called: SLC4A1-Related Spherocytosis. Identifiers: Orphanet 822, MedGen C2675212, MONDO:0012981, OMIM 612653.
BLOOD GROUP--DIEGO SYSTEM (DI). Identifiers: MedGen C1292286, OMIM 110500.
Autosomal dominant distal renal tubular acidosis (DRTA1). Also called: RTA, CLASSIC TYPE; RTA, DISTAL TYPE, AUTOSOMAL DOMINANT; RTA, GRADIENT TYPE; Renal Tubular Acidosis, Type I; RENAL TUBULAR ACIDOSIS, DISTAL, 1. Identifiers: Orphanet 93608, MedGen CN280572, MONDO:0008368, OMIM 179800.
Renal tubular acidosis, distal, 4, with hemolytic anemia. Also called: Renal Tubular Acidosis, Distal, with Hemolytic Anemia. Identifiers: Orphanet 93610, MedGen C5436235, MONDO:0012700, OMIM 611590.
Southeast Asian ovalocytosis. Also called: HE, STOMATOCYTIC; Stomatocytic elliptocytosis, hereditary; Ovalocytosis, Malaysian-Melanesian-Filipino type; Elliptocytosis 4. Identifiers: Orphanet 98868, MedGen C1862322, MONDO:0008165, OMIM 166900.
Malaria, susceptibility to. Identifiers: Orphanet 673, MedGen C1970028, MONDO:0021024, OMIM 611162.
Cryohydrocytosis. Also called: STOMATOCYTOSIS, COLD-SENSITIVE; CRYOHYDROCYTOSIS DUE TO BAND 3 HEMEL; CRYOHYDROCYTOSIS DUE TO BAND 3 HURSTPIERPOINT; CRYOHYDROCYTOSIS DUE TO BAND 3 BLACKBURN; Hereditary cryohydrocytosis with normal stomatin. Identifiers: Orphanet 398088, MedGen C1861453, MONDO:0008494, OMIM 185020.

Allele frequency attached by ClinVar (database versions not stated): ExAC 0.00002; gnomAD exomes 0.00002; TOPMed 0.00002; gnomAD 0.00003; ESP Exome Variant Server 0.00008.
gnomAD v4.1: 36 of 1,613,722 alleles (0.0022%); highest among the groups gnomAD compares: Non-Finnish European, 0.0029%; no homozygotes.

Submissions (4):

ARUP Laboratories, Molecular Genetics and Genomics, ARUP Laboratories
Classification: Uncertain significance. Last evaluated: 2025-07-24. Review status: criteria provided, single submitter. Criteria: ARUP Molecular Germline Variant Investigation Process 2024. Collection method: clinical testing. Allele origin: germline.
Comment: The SLC4A1 c.1501G>A; p.Val501Met variant (rs146305310), to our knowledge, is not reported in the medical literature but is reported in ClinVar (Variation ID: 1909803). This variant is found in the general population with an overall allele frequency of 0.0028% (7/251428 alleles) in the Genome Aggregation Database (v2.1.1). Computational analyses are uncertain whether this variant is neutral or deleterious (REVEL: 0.622). Due to limited information, the clinical significance of this variant is uncertain at this time.

Mayo Clinic Laboratories, Mayo Clinic
Classification: Uncertain significance. Last evaluated: 2025-06-24. Review status: criteria provided, single submitter. Criteria: ACMG Guidelines, 2015. Collection method: clinical testing. Allele origin: germline. Observed: 1 variant allele.
Comment: PM2_supporting

Fulgent Genetics
Classification: Uncertain significance for BLOOD GROUP--DIEGO SYSTEM; BLOOD GROUP, WALDNER; BLOOD GROUP--WRIGHT ANTIGEN; Southeast Asian ovalocytosis; Autosomal dominant distal renal tubular acidosis; Cryohydrocytosis; BLOOD GROUP--SWANN SYSTEM; BLOOD GROUP--FROESE; Malaria, susceptibility to; Renal tubular acidosis, distal, 4, with hemolytic anemia; Hereditary spherocytosis type 4. Last evaluated: 2024-03-18. Review status: criteria provided, single submitter. Criteria: ACMG Guidelines, 2015. Collection method: clinical testing. Allele origin: germline.

Labcorp Genetics (formerly Invitae), Labcorp
Classification: Uncertain significance. Last evaluated: 2022-08-24. Review status: criteria provided, single submitter. Criteria: Invitae Variant Classification Sherloc (09022015). Collection method: clinical testing. Allele origin: germline.
Comment: This sequence change replaces valine, which is neutral and non-polar, with methionine, which is neutral and non-polar, at codon 501 of the SLC4A1 protein (p.Val501Met). This variant is present in population databases (rs146305310, gnomAD 0.004%). This variant has not been reported in the literature in individuals affected with SLC4A1-related conditions. Algorithms developed to predict the effect of missense changes on protein structure and function are either unavailable or do not agree on the potential impact of this missense change (SIFT: "Tolerated"; PolyPhen-2: "Probably Damaging"; Align-GVGD: "Class C0"). In summary, the available evidence is currently insufficient to determine the role of this variant in disease. Therefore, it has been classified as a Variant of Uncertain Significance.